The following is an entry in ClinVar:

NM_014714.4(IFT140):c.377T>A (p.Val126Asp)

Genes: IFT140 (intraflagellar transport 140; minus strand), LOC105371046 (uncharacterized LOC105371046; plus strand). Cytogenetic location: 16p13.3.
Variant type: single nucleotide variant.
Coding change: c.377T>A on transcript NM_014714.4 (MANE Select); coding-DNA position 377, T replaced by A.
Protein change: p.Val126Asp; replaces valine 126 with aspartic acid.
Molecular consequence: missense variant.
Genome position (GRCh38, 1-based): chr16:1,592,581, A>T on the plus strand (T>A on the coding strand, the complement: IFT140 is on the minus strand). VCF-style: chr16-1592581-A-T. GRCh37 (hg19) VCF-style: chr16-1642582-A-T.
Other names: short protein forms V126D.
Identifiers: ClinVar variation 4745836 (VCV004745836.1).

ClinVar aggregate classification (germline): Uncertain significance (1 of 4 stars; one submission).

Conditions:
Saldino-Mainzer syndrome (SRTD9). Also called: CONORENAL SYNDROME; Renal dysplasia, retinal pigmentary dystrophy, cerebellar ataxia and skeletal dysplasia; SHORT-RIB THORACIC DYSPLASIA 9 WITHOUT POLYDACTYLY; short-rib thoracic dysplasia 9 with or without polydactyly. Identifiers: Orphanet 140969, MedGen C1849437, MONDO:0009964, OMIM 266920.

gnomAD v4.1: 3 of 1,613,992 alleles (0.00019%); highest among the groups gnomAD compares: Non-Finnish European, 0.00025%; no homozygotes.

Submission:

Labcorp Genetics (formerly Invitae), Labcorp
Classification: Uncertain significance for Saldino-Mainzer syndrome. Last evaluated: 2025-05-14. Review status: criteria provided, single submitter. Criteria: Invitae Variant Classification Sherloc (09022015). Collection method: clinical testing. Allele origin: germline.
Comment: This sequence change replaces valine, which is neutral and non-polar, with aspartic acid, which is acidic and polar, at codon 126 of the IFT140 protein (p.Val126Asp). This variant is present in population databases (no rsID available, gnomAD 0.007%). This variant has not been reported in the literature in individuals affected with IFT140-related conditions. Invitae Evidence Modeling of protein sequence and biophysical properties (such as structural, functional, and spatial information, amino acid conservation, physicochemical variation, residue mobility, and thermodynamic stability) indicates that this missense variant is not expected to disrupt IFT140 protein function with a negative predictive value of 80%. In summary, the available evidence is currently insufficient to determine the role of this variant in disease. Therefore, it has been classified as a Variant of Uncertain Significance.